The following is an entry in ClinVar:

ClinVar aggregate classification (germline): Uncertain significance (1 of 4 stars; one submission).

gnomAD v4.1: 1 of 1,517,290 alleles (0.000066%); highest among the groups gnomAD compares: Non-Finnish European, 0.000088%; no homozygotes.

Submission:

Ambry Genetics
Classification: Uncertain significance. Last evaluated: 2024-11-22. Review status: criteria provided, single submitter. Criteria: Ambry Variant Classification Scheme 2023. Collection method: clinical testing. Allele origin: germline.
Comment: The p.L1457F variant (also known as c.4369C>T), located in coding exon 14 of the CDK12 gene, results from a C to T substitution at nucleotide position 4369. The leucine at codon 1457 is replaced by phenylalanine, an amino acid with highly similar properties. This amino acid position is conserved. In addition, this alteration is predicted to be tolerated by in silico analysis. Based on the available evidence, the clinical significance of this variant remains unclear.

NM_016507.4(CDK12):c.4369C>T (p.Leu1457Phe)

Gene: CDK12 (cyclin dependent kinase 12; plus strand). Cytogenetic location: 17q12.
Variant type: single nucleotide variant.
Coding change: c.4369C>T on transcript NM_016507.4 (MANE Select); coding-DNA position 4369, C replaced by T.
Protein change: p.Leu1457Phe; replaces leucine 1457 with phenylalanine.
Molecular consequence: missense variant.
Genome position (GRCh38, 1-based): chr17:39,531,212, C>T. VCF-style: chr17-39531212-C-T. GRCh37 (hg19) VCF-style: chr17-37687465-C-T.
Other names: c.4342C>T, p.Leu1448Phe (NM_015083.4); short protein forms L1448F, L1457F.
Identifiers: ClinVar variation 3489232 (VCV003489232.1).